The following is an entry in ClinVar:

ClinVar aggregate classification (germline): Uncertain significance (1 of 4 stars; one submission).

gnomAD v4.1: 29 of 1,612,898 alleles (0.0018%); highest among the groups gnomAD compares: South Asian, 0.0055%; no homozygotes.

Submission:

GeneDx
Classification: Uncertain significance. Last evaluated: 2024-06-25. Review status: criteria provided, single submitter. Criteria: GeneDx Variant Classification Process June 2021. Collection method: clinical testing. Allele origin: germline. Affected: yes.
Comment: Not observed at significant frequency in large population cohorts (gnomAD); In silico analysis supports a deleterious effect on splicing; Has not been previously published as pathogenic or benign to our knowledge

NM_020442.6(VARS2):c.2187G>A (p.Ala729=)

Genes: VARS2 (valyl-tRNA synthetase 2, mitochondrial; plus strand), LOC126859646 (MED14-independent group 3 enhancer GRCh37_chr6:30889690-30890889; plus strand). Cytogenetic location: 6p21.33.
Variant type: single nucleotide variant.
Coding change: c.2187G>A on transcript NM_020442.6 (MANE Select); coding-DNA position 2187, G replaced by A.
Protein change: p.Ala729=; no amino-acid change (alanine 729 retained).
Molecular consequence: synonymous variant.
Genome position (GRCh38, 1-based): chr6:30,923,105, G>A. VCF-style: chr6-30923105-G-A. GRCh37 (hg19) VCF-style: chr6-30890882-G-A.
Other names: c.1767G>A, p.Ala589= (NM_001167733.3); c.2277G>A, p.Ala759= (NM_001167734.2).
Identifiers: ClinVar variation 3392798 (VCV003392798.1).